The following is an entry in ClinVar:

ClinVar aggregate classification (germline): Likely benign (1 of 4 stars; one submission).

Conditions:
Telangiectasia, hereditary hemorrhagic, type 1 (HHT1). Also called: Osler Weber Rendu syndrome type 1; ENG-Related Hereditary Hemorrhagic Telangiectasia. Identifiers: Orphanet 774, MedGen C4551861, MONDO:0008535, OMIM 187300. Disease mechanism: loss of function.

Allele frequency attached by ClinVar (database versions not stated): gnomAD exomes 0.00011; 1000 Genomes Project 0.00040; gnomAD 0.00040 and 0.00042; 1000 Genomes Project 30x 0.00047; TOPMed 0.00047.
gnomAD v4.1: 62 of 162,214 alleles (0.038%); highest among the groups gnomAD compares: Middle Eastern, 0.31%; no homozygotes.

Submission:

Illumina Laboratory Services, Illumina
Classification: Likely benign for Telangiectasia, hereditary hemorrhagic, type 1. Last evaluated: 2018-01-12. Review status: criteria provided, single submitter. Criteria: ICSL Variant Classification Criteria 13 December 2019. Collection method: clinical testing. Allele origin: germline.
Comment: This variant was observed in the ICSL laboratory as part of a predisposition screen in an ostensibly healthy population. It had not been previously curated by ICSL or reported in the Human Gene Mutation Database (HGMD: prior to June 1st, 2018), and was therefore a candidate for classification through an automated scoring system. Utilizing variant allele frequency, disease prevalence and penetrance estimates, and inheritance mode, an automated score was calculated to assess if this variant is too frequent to cause the disease. Based on the score and internal cut-off values, a variant classified as likely benign is not then subjected to further curation. The score for this variant resulted in a classification of likely benign for this disease.

NM_001114753.3(ENG):c.*449C>G

Gene: ENG (endoglin; minus strand). Cytogenetic location: 9q34.11.
Variant type: single nucleotide variant.
Coding change: c.*449C>G on transcript NM_001114753.3 (MANE Select); 449 bases downstream of the stop codon, C replaced by G.
Molecular consequence: 3 prime UTR variant.
Genome position (GRCh38, 1-based): chr9:127,815,233, G>C on the plus strand (C>G on the coding strand, the complement: ENG is on the minus strand). VCF-style: chr9-127815233-G-C. GRCh37 (hg19) VCF-style: chr9-130577512-G-C.
Other names: c.*684C>G (NM_000118.4); c.*449C>G (NM_001278138.2).
Identifiers: ClinVar variation 912987 (VCV000912987.6), dbSNP rs529337078, ClinGen allele CA200300718.